The following is an entry in ClinVar:

NM_000179.3(MSH6):c.2021G>C (p.Gly674Ala)

Gene: MSH6 (mutS homolog 6; plus strand). Cytogenetic location: 2p16.3.
Variant type: single nucleotide variant.
Coding change: c.2021G>C on transcript NM_000179.3 (MANE Select); coding-DNA position 2021, G replaced by C.
Protein change: p.Gly674Ala; replaces glycine 674 with alanine.
Molecular consequence: missense variant. On other transcripts: non-coding transcript variant (5), intron variant (2).
Genome position (GRCh38, 1-based): chr2:47,800,004, G>C. VCF-style: chr2-47800004-G-C. GRCh37 (hg19) VCF-style: chr2-48027143-G-C.
Other names: c.1631G>C, p.Gly544Ala (NM_001281492.2); c.1115G>C, p.Gly372Ala (NM_001281493.2, NM_001281494.2, NM_001406811.1 and 6 more transcripts); c.2117G>C, p.Gly706Ala (NM_001406795.1, NM_001406802.1); c.2021G>C, p.Gly674Ala (NM_001406796.1, NM_001406798.1, NM_001406800.1 and 3 more transcripts); c.1724G>C, p.Gly575Ala (NM_001406797.1, NM_001406801.1, NM_001406805.1 and 10 more transcripts); c.1496G>C, p.Gly499Ala (NM_001406799.1, NM_001406806.1, NM_001406807.1); c.1943G>C, p.Gly648Ala (NM_001406804.1); c.2027G>C, p.Gly676Ala (NM_001406813.1); and 3 more; short protein forms G544A, G674A, G706A, G499A, G676A, G372A, G575A, G618A.
Identifiers: ClinVar variation 2817259 (VCV002817259.3), dbSNP rs1064795598, ClinGen allele CA346750703.
Genomic context (GRCh38, chr2:47,800,004, plus strand): 5'-TGTTACCCCAGGTGCTTAAAGGTATGACTTCAGAGTCTGATTCCATTGGGTTGACACCAG[G>C]AGAGAAAAGTGAATTGGCCCTCTCTGCTCTAGGTGGTTGTGTCTTCTACCTCAAAAAATG-3'
Protein context (NP_000170.1, residues 664-684): SESDSIGLTP[Gly674Ala]EKSELALSAL

ClinVar aggregate classification (germline): Uncertain significance (1 of 4 stars; one submission).

Conditions:
Hereditary nonpolyposis colorectal neoplasms. Identifiers: MedGen C0009405, MeSH D003123.

Allele frequency attached by ClinVar (database versions not stated): gnomAD exomes below 0.00001; gnomAD 0.00001.
gnomAD v4.1: 2 of 1,614,054 alleles (0.00012%); highest among the groups gnomAD compares: South Asian, 0.0011%; no homozygotes.

Submission:

Labcorp Genetics (formerly Invitae), Labcorp
Classification: Uncertain significance for Hereditary nonpolyposis colorectal neoplasms. Last evaluated: 2022-11-30. Review status: criteria provided, single submitter. Criteria: Invitae Variant Classification Sherloc (09022015). Collection method: clinical testing. Allele origin: germline.
Comment: In summary, the available evidence is currently insufficient to determine the role of this variant in disease. Therefore, it has been classified as a Variant of Uncertain Significance. Advanced modeling of protein sequence and biophysical properties (such as structural, functional, and spatial information, amino acid conservation, physicochemical variation, residue mobility, and thermodynamic stability) performed at Invitae indicates that this missense variant is not expected to disrupt MSH6 protein function. This variant has not been reported in the literature in individuals affected with MSH6-related conditions. This variant is not present in population databases (gnomAD no frequency). This sequence change replaces glycine, which is neutral and non-polar, with alanine, which is neutral and non-polar, at codon 674 of the MSH6 protein (p.Gly674Ala).